The following is an entry in ClinVar:

ClinVar aggregate classification (germline): Likely benign (1 of 4 stars; one submission).

Submission:

CeGaT Center for Human Genetics Tuebingen
Classification: Likely benign. Last evaluated: 2023-03-01. Review status: criteria provided, single submitter. Criteria: CeGaT Center For Human Genetics Tuebingen Variant Classification Criteria Version 2. Collection method: clinical testing. Allele origin: germline. Affected: yes. Observed: 1 variant allele.
Comment: CMYA5: PM2:Supporting, BP4, BP7

NM_153610.5(CMYA5):c.7935A>G (p.Glu2645=)

Gene: CMYA5 (cardiomyopathy associated 5; plus strand). Cytogenetic location: 5q14.1.
Variant type: single nucleotide variant.
Coding change: c.7935A>G on transcript NM_153610.5 (MANE Select); coding-DNA position 7935, A replaced by G.
Protein change: p.Glu2645=; no amino-acid change (glutamic acid 2645 retained).
Molecular consequence: synonymous variant.
Genome position (GRCh38, 1-based): chr5:79,736,700, A>G. VCF-style: chr5-79736700-A-G. GRCh37 (hg19) VCF-style: chr5-79032523-A-G.
Identifiers: ClinVar variation 2655563 (VCV002655563.24), dbSNP rs2485330517, ClinGen allele CA445388851.